The following is an entry in ClinVar:

ClinVar aggregate classification (germline): Uncertain significance. Review status: criteria provided, multiple submitters, no conflicts (2 of 4 stars). 3 submissions from 3 submitters: Uncertain significance (2). 1 of the submissions does not count toward it. Last evaluated 2021-09-08.

Conditions:
Mucolipidosis type II. Also called: Mucolipidosis II Alpha/Beta; Mucolipidosis 2; ML 2; Inclusion cell disease; Leroy Disease; N-acetylglucosamine 1phosphotransferase deficiency. Identifiers: Orphanet 576, MedGen C2673377, MONDO:0009650, OMIM 252500.
Pseudo-Hurler polydystrophy. Also called: MUCOLIPIDOSIS IIIA; ML IIIA; Mucolipidosis III Alpha/Beta; Type III Mucolipidosis; ML III; ML III ALPHA/BETA. Identifiers: Orphanet 423461, Orphanet 577, MedGen C0033788, MONDO:0018931, OMIM 252600.

Allele frequency attached by ClinVar (database versions not stated): gnomAD exomes 0.00001 and 0.00002; ExAC 0.00003; TOPMed 0.00007; 1000 Genomes Project 0.00020; ESP Exome Variant Server 0.00015; 1000 Genomes Project 30x 0.00016; gnomAD 0.00009.
gnomAD v4.1: 22 of 1,613,898 alleles (0.0014%); highest among the groups gnomAD compares: African/African-American, 0.028%; no homozygotes.

Submissions (3):

Fulgent Genetics
Classification: Uncertain significance for Mucolipidosis type II; Pseudo-Hurler polydystrophy. Last evaluated: 2021-09-08. Review status: criteria provided, single submitter. Criteria: ACMG Guidelines, 2015. Collection method: clinical testing. Allele origin: unknown.

Labcorp Genetics (formerly Invitae), Labcorp
Classification: Uncertain significance for Pseudo-Hurler polydystrophy; Mucolipidosis type II. Last evaluated: 2021-09-01. Review status: criteria provided, single submitter. Criteria: Invitae Variant Classification Sherloc (09022015). Collection method: clinical testing. Allele origin: germline.
Comment: This sequence change replaces lysine with arginine at codon 428 of the GNPTAB protein (p.Lys428Arg). The lysine residue is moderately conserved and there is a small physicochemical difference between lysine and arginine. This variant is present in population databases (rs145281185, ExAC 0.04%). This variant has not been reported in the literature in individuals affected with GNPTAB-related conditions. ClinVar contains an entry for this variant (Variation ID: 554325). Algorithms developed to predict the effect of missense changes on protein structure and function are either unavailable or do not agree on the potential impact of this missense change (SIFT: "Tolerated"; PolyPhen-2: "Probably Damaging"; Align-GVGD: "Class C0"). In summary, the available evidence is currently insufficient to determine the role of this variant in disease. Therefore, it has been classified as a Variant of Uncertain Significance.

Counsyl
Classification: Uncertain significance for Mucolipidosis type II; Pseudo-Hurler polydystrophy. Last evaluated: 2017-10-16. Review status: no assertion criteria provided. Collection method: clinical testing. Allele origin: unknown. Not counted in ClinVar's aggregate classification.

Literature cited by the submitters: PubMed 26130485 (cited by Counsyl).

NM_024312.5(GNPTAB):c.1283A>G (p.Lys428Arg)

Gene: GNPTAB (N-acetylglucosamine-1-phosphate transferase subunits alpha and beta; minus strand). Cytogenetic location: 12q23.2.
Variant type: single nucleotide variant.
Coding change: c.1283A>G on transcript NM_024312.5 (MANE Select); coding-DNA position 1283, A replaced by G.
Protein change: p.Lys428Arg; replaces lysine 428 with arginine.
Molecular consequence: missense variant.
Genome position (GRCh38, 1-based): chr12:101,770,022, T>C on the plus strand (A>G on the coding strand, the complement: GNPTAB is on the minus strand). VCF-style: chr12-101770022-T-C. GRCh37 (hg19) VCF-style: chr12-102163800-T-C.
Other names: short protein forms K428R.
Identifiers: ClinVar variation 554325 (VCV000554325.5), dbSNP rs145281185, ClinGen allele CA6746673.
Genomic context (GRCh38, chr12:101,770,022, plus strand): 5'-TTTTCTGATTTGCTAAGTGACTTCCACGCTAGACAACCCCCCTCCTCTTAGGCACTCACC[T>C]TCTGGCCTTTGGAGTGACTGTAAAAATCATCTGGCCAGACATCCTTCCCAAACATGACAT-3'
Protein context (NP_077288.2, residues 418-438): DDFYSHSKGQ[Lys428Arg]VYLTWPVPNC